The following is an entry in ClinVar:

ClinVar aggregate classification (germline): Uncertain significance. Review status: criteria provided, multiple submitters, no conflicts (2 of 4 stars). 2 submissions from 2 submitters: Uncertain significance (2). Last evaluated 2023-12-25.

Conditions:
Cardiovascular phenotype. Identifiers: MedGen CN230736.

Allele frequency attached by ClinVar (database versions not stated): gnomAD 0.00001; gnomAD exomes 0.00001; TOPMed 0.00002.

Submissions (2):

Ambry Genetics
Classification: Uncertain significance for Cardiovascular phenotype. Last evaluated: 2023-12-25. Review status: criteria provided, single submitter. Criteria: Ambry Variant Classification Scheme 2023. Collection method: clinical testing. Allele origin: germline.
Comment: The p.C200R variant (also known as c.598T>C), located in coding exon 5 of the ABCG8 gene, results from a T to C substitution at nucleotide position 598. The cysteine at codon 200 is replaced by arginine, an amino acid with highly dissimilar properties. This amino acid position is conserved. In addition, the in silico prediction for this alteration is inconclusive. Since supporting evidence is limited at this time, the clinical significance of this alteration remains unclear.

Labcorp Genetics (formerly Invitae), Labcorp
Classification: Uncertain significance. Last evaluated: 2022-04-10. Review status: criteria provided, single submitter. Criteria: Invitae Variant Classification Sherloc (09022015). Collection method: clinical testing. Allele origin: germline.
Comment: This sequence change replaces cysteine, which is neutral and slightly polar, with arginine, which is basic and polar, at codon 200 of the ABCG8 protein (p.Cys200Arg). This variant is present in population databases (no rsID available, gnomAD 0.003%). This variant has not been reported in the literature in individuals affected with ABCG8-related conditions. Algorithms developed to predict the effect of missense changes on protein structure and function (SIFT, PolyPhen-2, Align-GVGD) all suggest that this variant is likely to be disruptive. In summary, the available evidence is currently insufficient to determine the role of this variant in disease. Therefore, it has been classified as a Variant of Uncertain Significance.

NM_022437.3(ABCG8):c.598T>C (p.Cys200Arg)

Gene: ABCG8 (ATP binding cassette subfamily G member 8; plus strand). Cytogenetic location: 2p21.
Variant type: single nucleotide variant.
Coding change: c.598T>C on transcript NM_022437.3 (MANE Select); coding-DNA position 598, T replaced by C.
Protein change: p.Cys200Arg; replaces cysteine 200 with arginine.
Molecular consequence: missense variant.
Genome position (GRCh38, 1-based): chr2:43,852,390, T>C. VCF-style: chr2-43852390-T-C. GRCh37 (hg19) VCF-style: chr2-44079529-T-C.
Other names: c.598T>C, p.Cys200Arg (NM_001357321.2); c.598T>C (NM_022437.2); short protein forms C200R.
Identifiers: ClinVar variation 2139602 (VCV002139602.2), dbSNP rs1007115634, ClinGen allele CA46441220.
Genomic context (GRCh38, chr2:43,852,390, plus strand): 5'-CTCAAAGCTCCTTCTGGCCCACAGGTGGAGGACGTGATCGCGGAGCTGCGGCTTAGGCAG[T>C]GCGCTGACACCCGCGTGGGCAACATGTACGTGCGGGGGTTGTCGGGGGGTGAGCGCAGGA-3'
Protein context (NP_071882.1, residues 190-210): DVIAELRLRQ[Cys200Arg]ADTRVGNMYV